The following is an entry in ClinVar:

ClinVar aggregate classification (germline): Uncertain significance (1 of 4 stars; one submission).

Submission:

Labcorp Genetics (formerly Invitae), Labcorp
Classification: Uncertain significance. Last evaluated: 2025-12-21. Review status: criteria provided, single submitter. Criteria: Invitae Variant Classification Sherloc (09022015). Collection method: clinical testing. Allele origin: germline.
Comment: This sequence change affects codon 228 of the TACSTD2 mRNA. It is a 'silent' change, meaning that it does not change the encoded amino acid sequence of the TACSTD2 protein. This variant is not present in population databases (gnomAD no frequency). This variant has not been reported in the literature in individuals affected with TACSTD2-related conditions. In summary, the available evidence is currently insufficient to determine the role of this variant in disease. Therefore, it has been classified as a Variant of Uncertain Significance.

NM_002353.3(TACSTD2):c.684G>A (p.Arg228=)

Gene: TACSTD2 (tumor associated calcium signal transducer 2; minus strand). Cytogenetic location: 1p32.1.
Variant type: single nucleotide variant.
Coding change: c.684G>A on transcript NM_002353.3 (MANE Select); coding-DNA position 684, G replaced by A.
Protein change: p.Arg228=; no amino-acid change (arginine 228 retained).
Molecular consequence: synonymous variant.
Genome position (GRCh38, 1-based): chr1:58,576,473, C>T on the plus strand (G>A on the coding strand, the complement: TACSTD2 is on the minus strand). VCF-style: chr1-58576473-C-T. GRCh37 (hg19) VCF-style: chr1-59042145-C-T.
Identifiers: ClinVar variation 4778075 (VCV004778075.1).